The following is an entry in ClinVar:

NM_017986.4(SLC52A1):c.208_209inv (p.Gln70Trp)

Gene: SLC52A1 (solute carrier family 52 member 1; minus strand). Cytogenetic location: 17p13.2.
Variant type: Inversion.
Coding change: c.208_209inv on transcript NM_017986.4 (MANE Select).
Protein change: p.Gln70Trp; replaces glutamine 70 with tryptophan.
Molecular consequence: missense variant.
Genome position: GRCh38 VCF-style: chr17-5034280-TG-CA. GRCh37 (hg19) VCF-style: chr17-4937575-TG-CA.
Other names: c.208_209inv, p.Gln70Trp (NM_001104577.2); short protein forms Q70W.
Identifiers: ClinVar variation 1488099 (VCV001488099.6), ClinGen allele CA2573152993.

ClinVar aggregate classification (germline): Uncertain significance (1 of 4 stars; one submission).

Conditions:
Vitamin B2 deficiency. Identifiers: MedGen C0035528.

Submission:

Labcorp Genetics (formerly Invitae), Labcorp
Classification: Uncertain significance for Vitamin B2 deficiency. Last evaluated: 2023-07-17. Review status: criteria provided, single submitter. Criteria: Invitae Variant Classification Sherloc (09022015). Collection method: clinical testing. Allele origin: germline.
Comment: In summary, the available evidence is currently insufficient to determine the role of this variant in disease. Therefore, it has been classified as a Variant of Uncertain Significance. An algorithm developed to predict the effect of missense changes on protein structure and function (PolyPhen-2) suggests that this variant is likely to be disruptive. ClinVar contains an entry for this variant (Variation ID: 1488099). This variant has not been reported in the literature in individuals affected with SLC52A1-related conditions. The frequency data for this variant in the population databases is considered unreliable, as metrics indicate poor data quality at this position in the gnomAD database. This sequence change replaces glutamine, which is neutral and polar, with tryptophan, which is neutral and slightly polar, at codon 70 of the SLC52A1 protein (p.Gln70Trp).